The following is an entry in ClinVar:

NM_139057.4(ADAMTS17):c.1682C>T (p.Thr561Met)

Genes: ADAMTS17 (ADAM metallopeptidase with thrombospondin type 1 motif 17; minus strand), LOC130058037 (ATAC-STARR-seq lymphoblastoid active region 10166; plus strand). Cytogenetic location: 15q26.3.
Variant type: single nucleotide variant.
Coding change: c.1682C>T on transcript NM_139057.4 (MANE Select); coding-DNA position 1682, C replaced by T.
Protein change: p.Thr561Met; replaces threonine 561 with methionine.
Molecular consequence: missense variant.
Genome position (GRCh38, 1-based): chr15:100,132,046, G>A on the plus strand (C>T on the coding strand, the complement: ADAMTS17 is on the minus strand). VCF-style: chr15-100132046-G-A. GRCh37 (hg19) VCF-style: chr15-100672251-G-A.
Other names: short protein forms T561M.
Identifiers: ClinVar variation 315287 (VCV000315287.7), dbSNP rs140998386, ClinGen allele CA7758127.

ClinVar aggregate classification (germline): Uncertain significance. Review status: criteria provided, multiple submitters, no conflicts (2 of 4 stars). 2 submissions from 2 submitters: Uncertain significance (2). Last evaluated 2022-08-03.

Conditions:
Weill-Marchesani 4 syndrome, recessive. Also called: Weill-Marchesani syndrome 4. Identifiers: Orphanet 363992, MedGen C2750787, MONDO:0013176, OMIM 613195.

Allele frequency attached by ClinVar (database versions not stated): ExAC 0.00012; gnomAD exomes 0.00017; ESP Exome Variant Server 0.00023; gnomAD 0.00025; TOPMed 0.00025.
gnomAD v4.1: 563 of 1,613,816 alleles (0.035%); highest among the groups gnomAD compares: Non-Finnish European, 0.044%; 1 homozygote.

Submissions (2):

Labcorp Genetics (formerly Invitae), Labcorp
Classification: Uncertain significance. Last evaluated: 2022-08-03. Review status: criteria provided, single submitter. Criteria: Invitae Variant Classification Sherloc (09022015). Collection method: clinical testing. Allele origin: germline.
Comment: This sequence change replaces threonine, which is neutral and polar, with methionine, which is neutral and non-polar, at codon 561 of the ADAMTS17 protein (p.Thr561Met). This variant is present in population databases (rs140998386, gnomAD 0.03%). This variant has not been reported in the literature in individuals affected with ADAMTS17-related conditions. ClinVar contains an entry for this variant (Variation ID: 315287). Algorithms developed to predict the effect of missense changes on protein structure and function are either unavailable or do not agree on the potential impact of this missense change (SIFT: "Not Available"; PolyPhen-2: "Possibly Damaging"; Align-GVGD: "Not Available"). In summary, the available evidence is currently insufficient to determine the role of this variant in disease. Therefore, it has been classified as a Variant of Uncertain Significance.

Illumina Laboratory Services, Illumina
Classification: Uncertain significance for Weill-Marchesani 4 syndrome, recessive. Last evaluated: 2018-01-13. Review status: criteria provided, single submitter. Criteria: ICSL Variant Classification Criteria 13 December 2019. Collection method: clinical testing. Allele origin: germline.